The following is an entry in ClinVar:

GRCh37/hg19 5p13.2(chr5:36259977-37805517)x1

Genes: CPLANE1 (ciliogenesis and planar polarity effector complex subunit 1; minus strand), NIPBL (NIPBL cohesin loading factor; plus strand), NUP155 (nucleoporin 155; minus strand), RANBP3L (RAN binding protein 3 like; minus strand), SLC1A3 (solute carrier family 1 member 3; plus strand) and 1 more. Cytogenetic location: 5p13.2.
Variant type: copy number loss.
Change: copy number 1 (one copy instead of two) of chr5:36,259,977-37,805,517 (1.55 Mb, GRCh37 coordinates, 1-based), cytogenetic band 5p13.2.
Identifiers: ClinVar variation 4682636 (VCV004682636.1).

ClinVar aggregate classification (germline): Pathogenic (1 of 4 stars; one submission).

Submission:

Quest Diagnostics Nichols Institute San Juan Capistrano
Classification: Pathogenic. Last evaluated: 2024-09-18. Review status: criteria provided, single submitter. Criteria: ACMG/ClinGen CNV Guidelines, 2019. Collection method: clinical testing. Allele origin: unknown.
Comment: This loss involves at least six protein-coding genes, including NIPBL (OMIM 608667). Haploinsufficiency of NIPBL is associated with autosomal dominant Cornelia de Lange syndrome-1 (CDLS1; OMIM 122470; Deardorff 2021, Rehm 2015). There are no fully similar copy number losses of this region in the general populations of the Database of Genomic Variants. Thus, this copy number variant (CNV) is classified as pathogenic. References: Deardorff et al., GeneReviews [2020 Oct 15]. PMID: 20301283 Rehm et al., N Engl J Med. 2015 Jun 4;372(23):2235-42. PMID: 26014595